The following is an entry in ClinVar:

ClinVar aggregate classification (germline): Pathogenic (1 of 4 stars; one submission).

Conditions:
Peroxisome biogenesis disorder, complementation group 7 (CG7). Also called: Peroxisome biogenesis disorder, complementation group B. Identifiers: MedGen C1864399.

Submission:

Labcorp Genetics (formerly Invitae), Labcorp
Classification: Pathogenic for Peroxisome biogenesis disorder, complementation group 7. Last evaluated: 2022-10-05. Review status: criteria provided, single submitter. Criteria: Invitae Variant Classification Sherloc (09022015). Collection method: clinical testing. Allele origin: germline.
Comment: This variant disrupts a region of the PEX10 protein in which other variant(s) (p.Arg331Gln) have been determined to be pathogenic (PMID: 2723085, 20695019). This suggests that this is a clinically significant region of the protein, and that variants that disrupt it are likely to be disease-causing. For these reasons, this variant has been classified as Pathogenic. This variant has not been reported in the literature in individuals affected with PEX10-related conditions. This variant is present in population databases (rs752180749, gnomAD 0.0009%). This sequence change creates a premature translational stop signal (p.Ser323Thrfs*2) in the PEX10 gene. While this is not anticipated to result in nonsense mediated decay, it is expected to disrupt the last 24 amino acid(s) of the PEX10 protein.

Literature cited by the submitters: PubMed 2723085; PubMed 20695019.

NM_002617.4(PEX10):c.907_908insCTTA (p.Ser303delinsThrTer)

Gene: PEX10 (peroxisomal biogenesis factor 10; minus strand). Cytogenetic location: 1p36.32.
Variant type: Insertion.
Coding change: c.907_908insCTTA on transcript NM_002617.4 (MANE Select); coding-DNA positions 907 to 908, CTTA inserted.
Protein change: p.Ser303delinsThrTer.
Molecular consequence: nonsense. On other transcripts: non-coding transcript variant (1).
Genome position: GRCh38 VCF-style: chr1-2406488-C-CTAAG. GRCh37 (hg19) VCF-style: chr1-2337927-C-CTAAG.
Other names: c.964_965insCTTA, p.Ser322delinsThrTer (NM_001374425.1); c.532_533insCTTA, p.Ser178delinsThrTer (NM_001374426.1); c.475_476insCTTA, p.Ser159delinsThrTer (NM_001374427.1); c.967_968insCTTA, p.Ser323delinsThrTer (NM_153818.2).
Identifiers: ClinVar variation 2050570 (VCV002050570.4), dbSNP rs752180749, ClinGen allele CA537983.
Genomic context (GRCh38, chr1:2,406,488, plus strand): 5'-CATCTTGCCGGCACAGCCGCTGACCACCCCAGGACGGCAGCAGGCTCCCACCTCACCTTG[C>CTAAG]TGCTGCACCACGCGGTGATGCACTCCCAGCAGAACAGGTGGCCGCAGGGCGTGGCTGTTG-3'